The following is an entry in ClinVar:

ClinVar aggregate classification (germline): Uncertain significance. Review status: criteria provided, multiple submitters, no conflicts (2 of 4 stars). 3 submissions from 3 submitters: Uncertain significance (3). Last evaluated 2025-08-18.

Conditions:
ABCA4-related disorder. Also called: ABCA4-related disorders; ABCA4-related condition. Identifiers: MedGen CN239167.

Allele frequency attached by ClinVar (database versions not stated): gnomAD 0.00001; ExAC 0.00002; TOPMed 0.00003.
gnomAD v4.1: 11 of 1,613,992 alleles (0.00068%); highest among the groups gnomAD compares: Admixed American, 0.013%; no homozygotes.

Submissions (3):

Labcorp Genetics (formerly Invitae), Labcorp
Classification: Uncertain significance. Last evaluated: 2025-08-18. Review status: criteria provided, single submitter. Criteria: Invitae Variant Classification Sherloc (09022015). Collection method: clinical testing. Allele origin: germline.
Comment: This sequence change replaces valine, which is neutral and non-polar, with methionine, which is neutral and non-polar, at codon 1887 of the ABCA4 protein (p.Val1887Met). This variant is present in population databases (rs764320529, gnomAD 0.02%). This missense change has been observed in individual(s) with retinitis pigmentosa (PMID: 37734845). ClinVar contains an entry for this variant (Variation ID: 383346). Invitae Evidence Modeling of protein sequence and biophysical properties (such as structural, functional, and spatial information, amino acid conservation, physicochemical variation, residue mobility, and thermodynamic stability) has been performed for this missense variant. However, the output from this modeling did not meet the statistical confidence thresholds required to predict the impact of this variant on ABCA4 protein function. In summary, the available evidence is currently insufficient to determine the role of this variant in disease. Therefore, it has been classified as a Variant of Uncertain Significance.

PreventionGenetics, part of Exact Sciences
Classification: Uncertain significance for ABCA4-related condition. Last evaluated: 2024-11-15. Review status: criteria provided, single submitter. Criteria: ACMG Guidelines, 2015. Collection method: clinical testing. Allele origin: germline.
Comment: The ABCA4 c.5659G>A variant is predicted to result in the amino acid substitution p.Val1887Met. This variant has been reported in an individual with cone-rod dystrophy; however, the individual also had two additional variants in ABCA4 and two loss-of-function variants in PCARE with phase not determined (Supplementary table 1, Weisschuh et al. 2024. PubMed ID: 37734845). This variant is reported in 0.020% of alleles in individuals of Latino descent in gnomAD. At this time, the clinical significance of this variant is uncertain due to the absence of conclusive functional and genetic evidence.

GeneDx
Classification: Uncertain significance. Last evaluated: 2016-01-25. Review status: criteria provided, single submitter. Criteria: GeneDx Variant Classification (06012015). Collection method: clinical testing. Allele origin: germline. Affected: yes.
Comment: A variant of uncertain significance has been identified in the ABCA4 gene. The V1887M variant has not been published as a pathogenic variant, nor has it been reported as a benign variant to our knowledge. The variant was not observed in approximately 6,500 individuals of European and African American ancestry in the NHLBI Exome Sequencing Project, indicating it is not a common benign variant in these populations. V1887M is a conservative amino acid substitution, which is not likely to impact secondary protein structure as these residues share similar properties. Additionally, this substitution occurs at a position that is not conserved; however, in silico analysis is inconsistent in its predictions as to whether or not the variant is damaging to the protein structure/function. Missense variants in nearby residues (M1882V/T/I, V1884E, E1885K, G1886E) have been reported in the Human Gene Mutation Database in association with ABCA4-related disorders (Stenson et al., 2014), supporting the functional importance of this region of the protein. Therefore, based on the currently available information, it is unclear whether this variant is a pathogenic variant or a rare benign variant.

Literature cited by the submitters: PubMed 37734845 (cited by Labcorp Genetics (formerly Invitae), Labcorp).

NM_000350.3(ABCA4):c.5659G>A (p.Val1887Met)

Gene: ABCA4 (ATP binding cassette subfamily A member 4; minus strand). Cytogenetic location: 1p22.1.
Variant type: single nucleotide variant.
Coding change: c.5659G>A on transcript NM_000350.3 (MANE Select); coding-DNA position 5659, G replaced by A.
Protein change: p.Val1887Met; replaces valine 1887 with methionine.
Molecular consequence: missense variant.
Genome position (GRCh38, 1-based): chr1:94,010,855, C>T on the plus strand (G>A on the coding strand, the complement: ABCA4 is on the minus strand). VCF-style: chr1-94010855-C-T. GRCh37 (hg19) VCF-style: chr1-94476411-C-T.
Other names: c.5437G>A, p.Val1813Met (NM_001425324.1); short protein forms V1887M, V1813M.
Identifiers: ClinVar variation 383346 (VCV000383346.9), dbSNP rs764320529, ClinGen allele CA957182.
Genomic context (GRCh38, chr1:94,010,855, plus strand): 5'-CGTACCATTGGGAGAGGAAGAAGTGGCGCTGGACCAGCAGGGTCAGGAGGAAGTACACCA[C>T]CCCTTCCACCACCATGGCAAACAGGTTCTTCCCAATCAGGTCCCAGTGGAACGGATTTGC-3'
Protein context (NP_000341.2, residues 1877-1897): KNLFAMVVEG[Val1887Met]VYFLLTLLVQ